The following is an entry in ClinVar:

ClinVar aggregate classification (germline): Uncertain significance (1 of 4 stars; one submission).

Conditions:
Wilms tumor 1 (WT1). Also called: Wilms tumor, somatic. Identifiers: Orphanet 654, MedGen CN033288, MONDO:0008679, OMIM 194070.

Submission:

Labcorp Genetics (formerly Invitae), Labcorp
Classification: Uncertain significance for Wilms tumor 1. Last evaluated: 2025-03-24. Review status: criteria provided, single submitter. Criteria: Invitae Variant Classification Sherloc (09022015). Collection method: clinical testing. Allele origin: germline.
Comment: This sequence change replaces proline, which is neutral and non-polar, with serine, which is neutral and polar, at codon 455 of the GPC3 protein (p.Pro455Ser). This variant is not present in population databases (gnomAD no frequency). This variant has not been reported in the literature in individuals affected with GPC3-related conditions. Invitae Evidence Modeling of protein sequence and biophysical properties (such as structural, functional, and spatial information, amino acid conservation, physicochemical variation, residue mobility, and thermodynamic stability) indicates that this missense variant is not expected to disrupt GPC3 protein function with a negative predictive value of 80%. In summary, the available evidence is currently insufficient to determine the role of this variant in disease. Therefore, it has been classified as a Variant of Uncertain Significance.

NM_004484.4(GPC3):c.1363C>T (p.Pro455Ser)

Gene: GPC3 (glypican 3; minus strand). Cytogenetic location: Xq26.2.
Variant type: single nucleotide variant.
Coding change: c.1363C>T on transcript NM_004484.4 (MANE Select); coding-DNA position 1363, C replaced by T.
Protein change: p.Pro455Ser; replaces proline 455 with serine.
Molecular consequence: missense variant.
Genome position (GRCh38, 1-based): chrX:133,661,780, G>A on the plus strand (C>T on the coding strand, the complement: GPC3 is on the minus strand). VCF-style: chrX-133661780-G-A. GRCh37 (hg19) VCF-style: chrX-132795808-G-A.
Other names: c.1432C>T, p.Pro478Ser (NM_001164617.2); c.1315C>T, p.Pro439Ser (NM_001164618.2); c.1201C>T, p.Pro401Ser (NM_001164619.2); short protein forms P401S, P439S, P455S, P478S.
Identifiers: ClinVar variation 4803651 (VCV004803651.1).